The following is an entry in ClinVar:

ClinVar aggregate classification (germline): Pathogenic (1 of 4 stars; one submission).

gnomAD v4.1: 4 of 1,509,324 alleles (0.00027%); highest among the groups gnomAD compares: African/African-American, 0.0028%; no homozygotes.

Submission:

CeGaT Center for Human Genetics Tuebingen
Classification: Pathogenic. Last evaluated: 2025-03-01. Review status: criteria provided, single submitter. Criteria: CeGaT Center For Human Genetics Tuebingen Variant Classification Criteria Version 2. Collection method: clinical testing. Allele origin: germline. Affected: yes. Observed: 1 variant allele.
Comment: TCF3: PVS1, PM2

NM_003200.5(TCF3):c.1081C>T (p.Gln361Ter)

Gene: TCF3 (transcription factor 3; minus strand). Cytogenetic location: 19p13.3.
Variant type: single nucleotide variant.
Coding change: c.1081C>T on transcript NM_003200.5 (MANE Select); coding-DNA position 1081, C replaced by T.
Protein change: p.Gln361Ter; replaces glutamine 361 with a stop codon.
Molecular consequence: nonsense.
Genome position (GRCh38, 1-based): chr19:1,620,980, G>A on the plus strand (C>T on the coding strand, the complement: TCF3 is on the minus strand). VCF-style: chr19-1620980-G-A. GRCh37 (hg19) VCF-style: chr19-1620979-G-A.
Other names: c.1081C>T, p.Gln361Ter (NM_001136139.4, NM_001351778.2, NM_001351779.2); short protein forms Q361*.
Identifiers: ClinVar variation 3778414 (VCV003778414.7).
Genomic context (GRCh38, chr19:1,620,980, plus strand): 5'-AAACCCTCACAGACCTCAGCCTCCCCTCCCCCCAAAACCCTCACAGACCTGCCAGGCCCT[G>A]GGGGGAGCCCACGGGGGTAGAAGGGCTGGACGAGAAGTTATTGCTTGAGTGATCCGGGGA-3'